The following is an entry in ClinVar:

NM_014639.4(SKIC3):c.2945C>T (p.Ala982Val)

Gene: SKIC3 (SKI3 subunit of superkiller complex; minus strand). Cytogenetic location: 5q15.
Variant type: single nucleotide variant.
Coding change: c.2945C>T on transcript NM_014639.4 (MANE Select); coding-DNA position 2945, C replaced by T.
Protein change: p.Ala982Val; replaces alanine 982 with valine.
Molecular consequence: missense variant.
Genome position (GRCh38, 1-based): chr5:95,509,663, G>A on the plus strand (C>T on the coding strand, the complement: SKIC3 is on the minus strand). VCF-style: chr5-95509663-G-A. GRCh37 (hg19) VCF-style: chr5-94845367-G-A.
Other names: short protein forms A982V.
Identifiers: ClinVar variation 2771421 (VCV002771421.3), dbSNP rs2112302125, ClinGen allele CA360454946.
Genomic context (GRCh38, chr5:95,509,663, plus strand): 5'-GCATTTGCTGCTTCCTTTTTCAGTTGTAGATGTTCGTTTAAGTAACCCAACATTGTGAAA[G>A]CTGGGGCATAATTCTGAATTCTTTCTAGAAAATGAGAAATATCTTCATTTTAAATATGCC-3'
Protein context (NP_055454.1, residues 972-992): YVERIQNYAP[Ala982Val]FTMLGYLNEH

ClinVar aggregate classification (germline): Uncertain significance (1 of 4 stars; one submission).

Submission:

Labcorp Genetics (formerly Invitae), Labcorp
Classification: Uncertain significance. Last evaluated: 2023-10-23. Review status: criteria provided, single submitter. Criteria: Invitae Variant Classification Sherloc (09022015). Collection method: clinical testing. Allele origin: germline.
Comment: This sequence change replaces alanine, which is neutral and non-polar, with valine, which is neutral and non-polar, at codon 982 of the TTC37 protein (p.Ala982Val). This variant is not present in population databases (gnomAD no frequency). This variant has not been reported in the literature in individuals affected with TTC37-related conditions. An algorithm developed to predict the effect of missense changes on protein structure and function (PolyPhen-2) suggests that this variant is likely to be disruptive. In summary, the available evidence is currently insufficient to determine the role of this variant in disease. Therefore, it has been classified as a Variant of Uncertain Significance.